The following is an entry in ClinVar:

ClinVar aggregate classification (germline): Uncertain significance. Review status: criteria provided, multiple submitters, no conflicts (2 of 4 stars). 2 submissions from 2 submitters: Uncertain significance (2). Last evaluated 2025-12-21.

Conditions:
Hereditary cancer-predisposing syndrome. Also called: Neoplastic Syndromes, Hereditary; Hereditary neoplastic syndrome; Tumor predisposition; Hereditary Cancer Syndrome. Identifiers: Orphanet 140162, MedGen C0027672, MeSH D009386, MONDO:0015356.

Submissions (2):

Ambry Genetics
Classification: Uncertain significance for Hereditary cancer-predisposing syndrome. Last evaluated: 2025-12-21. Review status: criteria provided, single submitter. Criteria: Ambry Variant Classification Scheme 2023. Collection method: clinical testing. Allele origin: germline.
Comment: The p.E600K variant (also known as c.1798G>A), located in coding exon 12 of the RAD50 gene, results from a G to A substitution at nucleotide position 1798. The glutamic acid at codon 600 is replaced by lysine, an amino acid with similar properties. This amino acid position is not well conserved in available vertebrate species. In addition, this alteration is predicted to be tolerated by in silico analysis. Since supporting evidence is limited at this time, the clinical significance of this alteration remains unclear.

Labcorp Genetics (formerly Invitae), Labcorp
Classification: Uncertain significance for Hereditary cancer-predisposing syndrome. Last evaluated: 2018-11-14. Review status: criteria provided, single submitter. Criteria: Invitae Variant Classification Sherloc (09022015). Collection method: clinical testing. Allele origin: germline.
Comment: In summary, the available evidence is currently insufficient to determine the role of this variant in disease. Therefore, it has been classified as a Variant of Uncertain Significance. Algorithms developed to predict the effect of missense changes on protein structure and function (SIFT, PolyPhen-2, Align-GVGD) all suggest that this variant is likely to be tolerated, but these predictions have not been confirmed by published functional studies and their clinical significance is uncertain. This variant has not been reported in the literature in individuals with RAD50-related disease. This variant is not present in population databases (ExAC no frequency). This sequence change replaces glutamic acid with lysine at codon 600 of the RAD50 protein (p.Glu600Lys). The glutamic acid residue is moderately conserved and there is a small physicochemical difference between glutamic acid and lysine.

NM_005732.4(RAD50):c.1798G>A (p.Glu600Lys)

Gene: RAD50 (RAD50 double strand break repair protein; plus strand). Cytogenetic location: 5q31.1.
Variant type: single nucleotide variant.
Coding change: c.1798G>A on transcript NM_005732.4 (MANE Select); coding-DNA position 1798, G replaced by A.
Protein change: p.Glu600Lys; replaces glutamic acid 600 with lysine.
Molecular consequence: missense variant.
Genome position (GRCh38, 1-based): chr5:132,594,873, G>A. VCF-style: chr5-132594873-G-A. GRCh37 (hg19) VCF-style: chr5-131930565-G-A.
Other names: short protein forms E600K.
Identifiers: ClinVar variation 652860 (VCV000652860.14), dbSNP rs1580996365, ClinGen allele CA360947363.